The following is an entry in ClinVar:

NM_152564.5(VPS13B):c.6540A>G (p.Ile2180Met)

Gene: VPS13B (vacuolar protein sorting 13 homolog B; plus strand). Cytogenetic location: 8q22.2.
Variant type: single nucleotide variant.
Coding change: c.6540A>G on transcript NM_152564.5 (MANE Select); coding-DNA position 6540, A replaced by G.
Protein change: p.Ile2180Met; replaces isoleucine 2180 with methionine.
Molecular consequence: missense variant.
Genome position (GRCh38, 1-based): chr8:99,717,256, A>G. VCF-style: chr8-99717256-A-G. GRCh37 (hg19) VCF-style: chr8-100729484-A-G.
Other names: c.6615A>G, p.Ile2205Met (NM_017890.5); short protein forms I2180M, I2205M.
Identifiers: ClinVar variation 4982236 (VCV004982236.1).

ClinVar aggregate classification (germline): Uncertain significance (1 of 4 stars; one submission).

Conditions:
VPS13B-related disorder. Also called: VPS13B-related condition.

gnomAD v4.1: 17 of 1,614,108 alleles (0.0011%); highest among the groups gnomAD compares: Non-Finnish European, 0.0014%; no homozygotes.

Submission:

PreventionGenetics, part of Exact Sciences
Classification: Uncertain significance for VPS13B-related condition. Last evaluated: 2025-10-27. Review status: criteria provided, single submitter. Criteria: ACMG Guidelines, 2015. Collection method: clinical testing. Allele origin: germline.
Comment: The VPS13B c.6540A>G variant is predicted to result in the amino acid substitution p.Ile2180Met. To our knowledge, this variant has not been reported in the literature or in a large population database (gnomAD), indicating this variant is rare. At this time, the clinical significance of this variant is uncertain due to the absence of conclusive functional and genetic evidence.